The following is an entry in ClinVar:

ClinVar aggregate classification (germline): Uncertain significance. Review status: criteria provided, multiple submitters, no conflicts (2 of 4 stars). 2 submissions from 2 submitters: Uncertain significance (2). Last evaluated 2022-10-30.

Conditions:
Hereditary cancer-predisposing syndrome. Also called: Hereditary neoplastic syndrome; Neoplastic Syndromes, Hereditary; Tumor predisposition; Hereditary Cancer Syndrome. Identifiers: Orphanet 140162, MedGen C0027672, MeSH D009386, MONDO:0015356.
Cardiovascular phenotype. Identifiers: MedGen CN230736.

Submissions (2):

Ambry Genetics
Classification: Uncertain significance for Cardiovascular phenotype; Hereditary cancer-predisposing syndrome. Last evaluated: 2022-10-30. Review status: criteria provided, single submitter. Criteria: Ambry Variant Classification Scheme 2023. Collection method: clinical testing. Allele origin: germline.
Comment: The p.L1624V variant (also known as c.4870C>G), located in coding exon 36 of the NF1 gene, results from a C to G substitution at nucleotide position 4870. The leucine at codon 1624 is replaced by valine, an amino acid with highly similar properties. This amino acid position is conserved. In addition, the in silico prediction for this alteration is inconclusive. Since supporting evidence is limited at this time, the clinical significance of this alteration remains unclear.

GeneDx
Classification: Uncertain significance. Last evaluated: 2020-09-29. Review status: criteria provided, single submitter. Criteria: GeneDx Variant Classification Process June 2021. Collection method: clinical testing. Allele origin: germline. Affected: yes.
Comment: Not observed in large population cohorts (Lek 2016); In silico analysis supports that this missense variant does not alter protein structure/function; Has not been previously published as pathogenic or benign to our knowledge

NM_001042492.3(NF1):c.4933C>G (p.Leu1645Val)

Gene: NF1 (neurofibromin 1; plus strand). Cytogenetic location: 17q11.2.
Variant type: single nucleotide variant.
Coding change: c.4933C>G on transcript NM_001042492.3 (MANE Select); coding-DNA position 4933, C replaced by G.
Protein change: p.Leu1645Val; replaces leucine 1645 with valine.
Molecular consequence: missense variant.
Genome position (GRCh38, 1-based): chr17:31,325,917, C>G. VCF-style: chr17-31325917-C-G. GRCh37 (hg19) VCF-style: chr17-29652935-C-G.
Other names: c.4870C>G, p.Leu1624Val (NM_000267.4); short protein forms L1624V, L1645V.
Identifiers: ClinVar variation 1317349 (VCV001317349.4), dbSNP rs2069328058, ClinGen allele CA399007140.